The following is an entry in ClinVar:

NM_001127208.3(TET2):c.744C>A (p.His248Gln)

Genes: TET2 (tet methylcytosine dioxygenase 2; plus strand), TET2-AS1 (TET2 antisense RNA 1; minus strand). Cytogenetic location: 4q24.
Variant type: single nucleotide variant.
Coding change: c.744C>A on transcript NM_001127208.3 (MANE Select); coding-DNA position 744, C replaced by A.
Protein change: p.His248Gln; replaces histidine 248 with glutamine.
Molecular consequence: missense variant.
Genome position (GRCh38, 1-based): chr4:105,234,686, C>A. VCF-style: chr4-105234686-C-A. GRCh37 (hg19) VCF-style: chr4-106155843-C-A.
Other names: c.744C>A, p.His248Gln (NM_017628.4); short protein forms H248Q.
Identifiers: ClinVar variation 1329593 (VCV001329593.6), dbSNP rs377035231, ClinGen allele CA3031555.

ClinVar aggregate classification (germline): Uncertain significance. Review status: criteria provided, multiple submitters, no conflicts (2 of 4 stars). 3 submissions from 3 submitters: Uncertain significance (2). 1 of the submissions does not count toward it. Last evaluated 2023-06-28.

Conditions:
TET2-related disorder. Also called: TET2-related condition.

Allele frequency attached by ClinVar (database versions not stated): ExAC 0.00008; gnomAD exomes 0.00008; TOPMed 0.00014; ESP Exome Variant Server 0.00015; gnomAD 0.00017 and 0.00019.
gnomAD v4.1: 303 of 1,613,978 alleles (0.019%); highest among the groups gnomAD compares: Non-Finnish European, 0.025%; no homozygotes.

Submissions (3):

GeneDx
Classification: Uncertain significance. Last evaluated: 2023-06-28. Review status: criteria provided, single submitter. Criteria: GeneDx Variant Classification Process June 2021. Collection method: clinical testing. Allele origin: germline. Affected: yes.
Comment: In silico analysis supports that this missense variant has a deleterious effect on protein structure/function; Has not been previously published as pathogenic or benign to our knowledge

Labcorp Genetics (formerly Invitae), Labcorp
Classification: Uncertain significance. Last evaluated: 2022-10-19. Review status: criteria provided, single submitter. Criteria: Invitae Variant Classification Sherloc (09022015). Collection method: clinical testing. Allele origin: germline.
Comment: This sequence change replaces histidine, which is basic and polar, with glutamine, which is neutral and polar, at codon 248 of the TET2 protein (p.His248Gln). This variant is present in population databases (rs377035231, gnomAD 0.02%). This variant has not been reported in the literature in individuals affected with TET2-related conditions. ClinVar contains an entry for this variant (Variation ID: 1329593). Algorithms developed to predict the effect of missense changes on protein structure and function are either unavailable or do not agree on the potential impact of this missense change (SIFT: "Tolerated"; PolyPhen-2: "Probably Damaging"; Align-GVGD: "Class C0"). In summary, the available evidence is currently insufficient to determine the role of this variant in disease. Therefore, it has been classified as a Variant of Uncertain Significance.

PreventionGenetics, part of Exact Sciences
Classification: Uncertain significance for TET2-related condition. Last evaluated: 2023-10-27. Review status: no assertion criteria provided. Collection method: clinical testing. Allele origin: germline. Not counted in ClinVar's aggregate classification.
Comment: The TET2 c.744C>A variant is predicted to result in the amino acid substitution p.His248Gln. To our knowledge, this variant has not been reported in the literature. This variant is reported in 0.019% of alleles in individuals of European (Non-Finnish) descent in gnomAD. At this time, the clinical significance of this variant is uncertain due to the absence of conclusive functional and genetic evidence.